The following is an entry in ClinVar:

NM_001261826.3(AP3D1):c.3384C>G (p.Asp1128Glu)

Gene: AP3D1 (adaptor related protein complex 3 subunit delta 1; minus strand). Cytogenetic location: 19p13.3.
Variant type: single nucleotide variant.
Coding change: c.3384C>G on transcript NM_001261826.3 (MANE Select); coding-DNA position 3384, C replaced by G.
Protein change: p.Asp1128Glu; replaces aspartic acid 1128 with glutamic acid.
Molecular consequence: missense variant.
Genome position (GRCh38, 1-based): chr19:2,109,174, G>C on the plus strand (C>G on the coding strand, the complement: AP3D1 is on the minus strand). VCF-style: chr19-2109174-G-C. GRCh37 (hg19) VCF-style: chr19-2109173-G-C.
Other names: c.3348C>G, p.Asp1116Glu (NM_001374799.1); c.3198C>G, p.Asp1066Glu (NM_003938.8); short protein forms D1066E, D1128E, D1116E.
Identifiers: ClinVar variation 1461688 (VCV001461688.8), dbSNP rs775956566, ClinGen allele CA9058406.

ClinVar aggregate classification (germline): Uncertain significance (1 of 4 stars; one submission).

Allele frequency attached by ClinVar (database versions not stated): ExAC 0.00001; gnomAD exomes 0.00001.

Submission:

Labcorp Genetics (formerly Invitae), Labcorp
Classification: Uncertain significance. Last evaluated: 2023-08-04. Review status: criteria provided, single submitter. Criteria: Invitae Variant Classification Sherloc (09022015). Collection method: clinical testing. Allele origin: germline.
Comment: This variant has not been reported in the literature in individuals affected with AP3D1-related conditions. In summary, the available evidence is currently insufficient to determine the role of this variant in disease. Therefore, it has been classified as a Variant of Uncertain Significance. Algorithms developed to predict the effect of missense changes on protein structure and function output the following: SIFT: "Not Available"; PolyPhen-2: "Benign"; Align-GVGD: "Not Available". The glutamic acid amino acid residue is found in multiple mammalian species, which suggests that this missense change does not adversely affect protein function. ClinVar contains an entry for this variant (Variation ID: 1461688). This variant is present in population databases (rs775956566, gnomAD 0.007%). This sequence change replaces aspartic acid, which is acidic and polar, with glutamic acid, which is acidic and polar, at codon 1128 of the AP3D1 protein (p.Asp1128Glu).